The following is an entry in ClinVar:

ClinVar aggregate classification (germline): Uncertain significance. Review status: criteria provided, multiple submitters, no conflicts (2 of 4 stars). 2 submissions from 2 submitters: Uncertain significance (2). Last evaluated 2024-02-06.

gnomAD v4.1: 14 of 1,613,540 alleles (0.00087%); highest among the groups gnomAD compares: East Asian, 0.0022%; no homozygotes.

Submissions (2):

Labcorp Genetics (formerly Invitae), Labcorp
Classification: Uncertain significance. Last evaluated: 2024-02-06. Review status: criteria provided, single submitter. Criteria: Invitae Variant Classification Sherloc (09022015). Collection method: clinical testing. Allele origin: germline.
Comment: This sequence change replaces arginine, which is basic and polar, with cysteine, which is neutral and slightly polar, at codon 65 of the DNA2 protein (p.Arg65Cys). This variant is present in population databases (rs540241779, gnomAD 0.003%). This variant has not been reported in the literature in individuals affected with DNA2-related conditions. ClinVar contains an entry for this variant (Variation ID: 928658). Advanced modeling of protein sequence and biophysical properties (such as structural, functional, and spatial information, amino acid conservation, physicochemical variation, residue mobility, and thermodynamic stability) performed at Invitae indicates that this missense variant is not expected to disrupt DNA2 protein function with a negative predictive value of 80%. In summary, the available evidence is currently insufficient to determine the role of this variant in disease. Therefore, it has been classified as a Variant of Uncertain Significance.

Women's Health and Genetics/Laboratory Corporation of America, LabCorp
Classification: Uncertain significance. Last evaluated: 2019-09-12. Review status: criteria provided, single submitter. Criteria: LabCorp Variant Classification Summary - May 2015. Collection method: clinical testing. Allele origin: germline.
Comment: Variant summary: DNA2 c.193C>T (p.Arg65Cys) results in a non-conservative amino acid change in the encoded protein sequence. Four of five in-silico tools predict a damaging effect of the variant on protein function. The variant allele was found at a frequency of 1.4e-05 in 280338 control chromosomes (gnomAD). The available data on variant occurrences in the general population are insufficient to allow any conclusion about variant significance. To our knowledge, no occurrence of c.193C>T in individuals affected with Progressive external ophthalmoplegia with mitochondrial DNA deletions, autosomal dominant 6 and no experimental evidence demonstrating its impact on protein function have been reported. No clinical diagnostic laboratories have submitted clinical-significance assessments for this variant to ClinVar after 2014. Based on the evidence outlined above, the variant was classified as uncertain significance.

NM_001080449.3(DNA2):c.193C>T (p.Arg65Cys)

Gene: DNA2 (DNA replication helicase/nuclease 2; minus strand). Cytogenetic location: 10q21.3.
Variant type: single nucleotide variant.
Coding change: c.193C>T on transcript NM_001080449.3 (MANE Select); coding-DNA position 193, C replaced by T.
Protein change: p.Arg65Cys; replaces arginine 65 with cysteine.
Molecular consequence: missense variant. On other transcripts: non-coding transcript variant (1).
Genome position (GRCh38, 1-based): chr10:68,470,045, G>A on the plus strand (C>T on the coding strand, the complement: DNA2 is on the minus strand). VCF-style: chr10-68470045-G-A. GRCh37 (hg19) VCF-style: chr10-70229802-G-A.
Other names: short protein forms R65C.
Identifiers: ClinVar variation 928658 (VCV000928658.5), dbSNP rs540241779, ClinGen allele CA5525359.
Genomic context (GRCh38, chr10:68,470,045, plus strand): 5'-CATTCCTAAGGATGCATAGTTCTTTATTTTCTAGTGACTGTGAAGCAGTGATGACCAGGC[G>A]CTTTTCACAGTTTCCCTCTTTGTTCTGTACAGTATTGACTGCCAACACCAGGTACCGGTT-3'
Protein context (NP_001073918.2, residues 55-75): VQNKEGNCEK[Arg65Cys]LVITASQSLE